The following is an entry in ClinVar:

ClinVar aggregate classification (germline): Uncertain significance. Review status: criteria provided, multiple submitters, no conflicts (2 of 4 stars). 3 submissions from 3 submitters: Uncertain significance (2). 1 of the submissions does not count toward it. Last evaluated 2024-06-17.

Conditions:
Congenital myasthenic syndrome (CMS). Also called: Congenital Myasthenic Syndromes. Identifiers: Orphanet 590, MedGen C0751882, MeSH D020294, MONDO:0018940.
Congenital myasthenic syndrome 4A. Also called: Myasthenic syndrome, congenital, 4a, slow-channel; MYASTHENIC SYNDROME, CONGENITAL, 4A, SLOW-CHANNEL, AUTOSOMAL RECESSIVE; CONGENITAL MYASTHENIC SYNDROME TYPE Ia1. Identifiers: Orphanet 590, MedGen C4225413, MONDO:0011600, OMIM 605809.

Allele frequency attached by ClinVar (database versions not stated): gnomAD exomes below 0.00001; TOPMed below 0.00001; gnomAD 0.00001.
gnomAD v4.1: 14 of 1,611,066 alleles (0.00087%); highest among the groups gnomAD compares: Non-Finnish European, 0.00093%; no homozygotes.

Submissions (3):

Labcorp Genetics (formerly Invitae), Labcorp
Classification: Uncertain significance for Congenital myasthenic syndrome 4A. Last evaluated: 2024-06-17. Review status: criteria provided, single submitter. Criteria: Invitae Variant Classification Sherloc (09022015). Collection method: clinical testing. Allele origin: germline.
Comment: This sequence change replaces leucine, which is neutral and non-polar, with phenylalanine, which is neutral and non-polar, at codon 485 of the CHRNE protein (p.Leu485Phe). This variant is present in population databases (no rsID available, gnomAD 0.006%). This variant has not been reported in the literature in individuals affected with CHRNE-related conditions. ClinVar contains an entry for this variant (Variation ID: 426568). Advanced modeling of protein sequence and biophysical properties (such as structural, functional, and spatial information, amino acid conservation, physicochemical variation, residue mobility, and thermodynamic stability) performed at Invitae indicates that this missense variant is not expected to disrupt CHRNE protein function with a negative predictive value of 95%. In summary, the available evidence is currently insufficient to determine the role of this variant in disease. Therefore, it has been classified as a Variant of Uncertain Significance.

GeneDx
Classification: Uncertain significance. Last evaluated: 2017-04-12. Review status: criteria provided, single submitter. Criteria: GeneDx Variant Classification (06012015). Collection method: clinical testing. Allele origin: germline. Affected: yes.
Comment: The L485F variant in the CHRNE gene has not been reported previously as a pathogenic variant, nor as a benign variant, to our knowledge. The L485F variant is not observed in large population cohorts (Lek et al., 2016; 1000 Genomes Consortium et al., 2015; Exome Variant Server). The L485F variant is a conservative amino acid substitution, which is not likely to impact secondary protein structure as these residues share similar properties. This substitution occurs at a position that is conserved in mammals. In silico analysis is inconsistent in its predictions as to whether or not the variant is damaging to the protein structure/function. We interpret L485F as a variant of uncertain significance.

Natera, Inc.
Classification: Uncertain significance for Congenital myasthenic syndrome. Last evaluated: 2020-09-16. Review status: no assertion criteria provided. Collection method: clinical testing. Allele origin: germline. Not counted in ClinVar's aggregate classification.

NM_000080.4(CHRNE):c.1453C>T (p.Leu485Phe)

Gene: CHRNE (cholinergic receptor nicotinic epsilon subunit; minus strand). Cytogenetic location: 17p13.2.
Variant type: single nucleotide variant.
Coding change: c.1453C>T on transcript NM_000080.4 (MANE Select); coding-DNA position 1453, C replaced by T.
Protein change: p.Leu485Phe; replaces leucine 485 with phenylalanine.
Molecular consequence: missense variant.
Genome position (GRCh38, 1-based): chr17:4,898,765, G>A on the plus strand (C>T on the coding strand, the complement: CHRNE is on the minus strand). VCF-style: chr17-4898765-G-A. GRCh37 (hg19) VCF-style: chr17-4802060-G-A.
Other names: c.1453C>T, p.Leu485Phe (LRG_1254t1); short protein forms L485F.
Identifiers: ClinVar variation 426568 (VCV000426568.7), dbSNP rs1085307690, ClinGen allele CA397297281.